The following is an entry in ClinVar:

ClinVar aggregate classification (germline): Uncertain significance (1 of 4 stars; one submission).

Conditions:
Inborn genetic diseases. Identifiers: MedGen C0950123, MeSH D030342.

Submission:

Ambry Genetics
Classification: Uncertain significance for Inborn genetic diseases. Last evaluated: 2026-04-15. Review status: criteria provided, single submitter. Criteria: Ambry Variant Classification Scheme 2023. Collection method: clinical testing. Allele origin: germline.
Comment: The c.856A>G (p.R286G) alteration is located in exon 8 (coding exon 7) of the SYNCRIP gene. This alteration results from a A to G substitution at nucleotide position 856, causing the arginine (R) at amino acid position 286 to be replaced by a glycine (G). This variant was not reported in population-based cohorts in the Genome Aggregation Database (gnomAD). This amino acid position is highly conserved in available vertebrate species. This missense variant is located in a region that has a low rate of benign missense variation (Lek, 2016; Firth, 2009). The in silico prediction for this alteration is inconclusive. Based on insufficient or conflicting evidence, the clinical significance of this alteration remains unclear.

NM_006372.5(SYNCRIP):c.856A>G (p.Arg286Gly)

Gene: SYNCRIP (synaptotagmin binding cytoplasmic RNA interacting protein; minus strand). Cytogenetic location: 6q14.3.
Variant type: single nucleotide variant.
Coding change: c.856A>G on transcript NM_006372.5 (MANE Select); coding-DNA position 856, A replaced by G.
Protein change: p.Arg286Gly; replaces arginine 286 with glycine.
Molecular consequence: missense variant.
Genome position (GRCh38, 1-based): chr6:85,622,634, T>C on the plus strand (A>G on the coding strand, the complement: SYNCRIP is on the minus strand). VCF-style: chr6-85622634-T-C. GRCh37 (hg19) VCF-style: chr6-86332352-T-C.
Other names: c.562A>G, p.Arg188Gly (NM_001159673.2, NM_001410938.1, NM_001439159.1); c.856A>G, p.Arg286Gly (NM_001159674.2, NM_001159675.2, NM_001159676.2 and 5 more transcripts); c.400A>G, p.Arg134Gly (NM_001253771.2); short protein forms R134G, R188G, R286G.
Identifiers: ClinVar variation 4865263 (VCV004865263.1).